The following is an entry in ClinVar:

NM_001244926.2(PRPF4):c.540T>G (p.Ile180Met)

Gene: PRPF4 (pre-mRNA splicing tri-snRNP complex factor PRPF4; plus strand). Cytogenetic location: 9q32.
Variant type: single nucleotide variant.
Coding change: c.540T>G on transcript NM_001244926.2 (MANE Select); coding-DNA position 540, T replaced by G.
Protein change: p.Ile180Met; replaces isoleucine 180 with methionine.
Molecular consequence: missense variant. On other transcripts: 5 prime UTR variant (2), non-coding transcript variant (2).
Genome position (GRCh38, 1-based): chr9:113,283,191, T>G. VCF-style: chr9-113283191-T-G. GRCh37 (hg19) VCF-style: chr9-116045471-T-G.
Other names: c.-226T>G (NM_001322266.2, NM_001322267.2); c.543T>G, p.Ile181Met (NM_004697.5); short protein forms I180M, I181M.
Identifiers: ClinVar variation 1494773 (VCV001494773.8), dbSNP rs2118613232, ClinGen allele CA374553044.

ClinVar aggregate classification (germline): Uncertain significance (1 of 4 stars; one submission).

Allele frequency attached by ClinVar (database versions not stated): gnomAD exomes below 0.00001.
gnomAD v4.1: 3 of 1,614,230 alleles (0.00019%); highest among the groups gnomAD compares: African/African-American, 0.004%; no homozygotes.

Submission:

Labcorp Genetics (formerly Invitae), Labcorp
Classification: Uncertain significance. Last evaluated: 2022-03-19. Review status: criteria provided, single submitter. Criteria: Invitae Variant Classification Sherloc (09022015). Collection method: clinical testing. Allele origin: germline.
Comment: In summary, the available evidence is currently insufficient to determine the role of this variant in disease. Therefore, it has been classified as a Variant of Uncertain Significance. Algorithms developed to predict the effect of missense changes on protein structure and function are either unavailable or do not agree on the potential impact of this missense change (SIFT: "Deleterious"; PolyPhen-2: "Benign"; Align-GVGD: "Class C0"). This variant has not been reported in the literature in individuals affected with PRPF4-related conditions. This variant is not present in population databases (gnomAD no frequency). This sequence change replaces isoleucine, which is neutral and non-polar, with methionine, which is neutral and non-polar, at codon 181 of the PRPF4 protein (p.Ile181Met).